The following is an entry in ClinVar:

NM_001127178.3(PIGG):c.1172T>C (p.Leu391Pro)

Gene: PIGG (phosphatidylinositol glycan anchor biosynthesis class G (EMM blood group); plus strand). Cytogenetic location: 4p16.3.
Variant type: single nucleotide variant.
Coding change: c.1172T>C on transcript NM_001127178.3 (MANE Select); coding-DNA position 1172, T replaced by C.
Protein change: p.Leu391Pro; replaces leucine 391 with proline.
Molecular consequence: missense variant. On other transcripts: 5 prime UTR variant (2), non-coding transcript variant (10), intron variant (1).
Genome position (GRCh38, 1-based): chr4:521,113, T>C. VCF-style: chr4-521113-T-C. GRCh37 (hg19) VCF-style: chr4-514902-T-C.
Other names: c.1172T>C (NM_001127178.2); c.905T>C, p.Leu302Pro (NM_001289051.2, NM_001289053.2, NM_001345986.2 and 1 more transcripts); c.773T>C, p.Leu258Pro (NM_001289052.2); c.806T>C, p.Leu269Pro (NM_001289055.2); c.143T>C, p.Leu48Pro (NM_001345988.2); c.1172T>C, p.Leu391Pro (NM_001345989.2, NM_017733.5); c.-316T>C (NM_001345990.2, NM_001345991.2); c.98T>C, p.Leu33Pro (NM_001345994.2); and 1 more; short protein forms L302P, L33P, L48P, L258P, L269P, L391P.
Identifiers: ClinVar variation 1422484 (VCV001422484.8), dbSNP rs775584448, ClinGen allele CA2793236.
Genomic context (GRCh38, chr4:521,113, plus strand): 5'-TAGATCCTGGGTTTGAGCAGTTTAAAATGTCAGAAAGATTGCATGGGAACTGGATCAGAC[T>C]GTACTTGGAGGAAAAGCATTCAGAAGTCCTATTCAACCTGGGCTCCAAGGTTCTCAGGCA-3'
Protein context (NP_001120650.1, residues 381-401): SERLHGNWIR[Leu391Pro]YLEEKHSEVL

ClinVar aggregate classification (germline): Uncertain significance. Review status: criteria provided, multiple submitters, no conflicts (2 of 4 stars). 2 submissions from 2 submitters: Uncertain significance (2). Last evaluated 2025-05-01.

Conditions:
Intellectual disability, autosomal recessive 53 (NEDHSCA). Also called: GLYCOSYLPHOSPHATIDYLINOSITOL BIOSYNTHESIS DEFECT 13; Mental retardation, autosomal recessive 53; NEURODEVELOPMENTAL DISORDER WITH OR WITHOUT HYPOTONIA, SEIZURES, AND CEREBELLAR ATROPHY. Identifiers: Orphanet 488635, MedGen C4310794, MONDO:0014832, OMIM 616917.

Allele frequency attached by ClinVar (database versions not stated): ExAC 0.00002; gnomAD exomes 0.00002.
gnomAD v4.1: 12 of 1,614,210 alleles (0.00074%); highest among the groups gnomAD compares: East Asian, 0.0045%; no homozygotes.

Submissions (2):

GeneDx
Classification: Uncertain significance. Last evaluated: 2025-05-01. Review status: criteria provided, single submitter. Criteria: GeneDx Variant Classification Process June 2021. Collection method: clinical testing. Allele origin: germline. Affected: yes.
Comment: Not observed at significant frequency in large population cohorts (gnomAD); In silico analysis supports that this missense variant has a deleterious effect on protein structure/function; Has not been previously published as pathogenic or benign to our knowledge

Labcorp Genetics (formerly Invitae), Labcorp
Classification: Uncertain significance for Intellectual disability, autosomal recessive 53. Last evaluated: 2024-07-01. Review status: criteria provided, single submitter. Criteria: Invitae Variant Classification Sherloc (09022015). Collection method: clinical testing. Allele origin: germline.
Comment: This sequence change replaces leucine, which is neutral and non-polar, with proline, which is neutral and non-polar, at codon 391 of the PIGG protein (p.Leu391Pro). This variant is present in population databases (rs775584448, gnomAD 0.005%). This variant has not been reported in the literature in individuals affected with PIGG-related conditions. ClinVar contains an entry for this variant (Variation ID: 1422484). Advanced modeling of protein sequence and biophysical properties (such as structural, functional, and spatial information, amino acid conservation, physicochemical variation, residue mobility, and thermodynamic stability) performed at Invitae indicates that this missense variant is expected to disrupt PIGG protein function with a positive predictive value of 80%. In summary, the available evidence is currently insufficient to determine the role of this variant in disease. Therefore, it has been classified as a Variant of Uncertain Significance.